The following is an entry in ClinVar:

ClinVar aggregate classification (germline): Likely benign (1 of 4 stars; one submission).

Submission:

CeGaT Center for Human Genetics Tuebingen
Classification: Likely benign. Last evaluated: 2023-04-01. Review status: criteria provided, single submitter. Criteria: CeGaT Center For Human Genetics Tuebingen Variant Classification Criteria Version 2. Collection method: clinical testing. Allele origin: germline. Affected: yes. Observed: 1 variant allele.
Comment: NUTM2E: PM2:Supporting, BP4, BP7

NM_001355263.2(NUTM2E):c.1126C>T (p.Leu376=)

Gene: NUTM2E (NUT family member 2E; plus strand). Cytogenetic location: 10q22.3.
Variant type: single nucleotide variant.
Coding change: c.1126C>T on transcript NM_001355263.2 (MANE Select); coding-DNA position 1126, C replaced by T.
Protein change: p.Leu376=; no amino-acid change (leucine 376 retained).
Molecular consequence: synonymous variant.
Genome position (GRCh38, 1-based): chr10:79,846,873, C>T. VCF-style: chr10-79846873-C-T. GRCh37 (hg19) VCF-style: chr10-81606629-C-T.
Identifiers: ClinVar variation 2640647 (VCV002640647.24), dbSNP rs1842024251, ClinGen allele CA470586553.